The following is an entry in ClinVar:

NM_002449.5(MSX2):c.722C>G (p.Pro241Arg)

Gene: MSX2 (msh homeobox 2; plus strand). Cytogenetic location: 5q35.2.
Variant type: single nucleotide variant.
Coding change: c.722C>G on transcript NM_002449.5 (MANE Select); coding-DNA position 722, C replaced by G.
Protein change: p.Pro241Arg; replaces proline 241 with arginine.
Molecular consequence: missense variant. On other transcripts: 3 prime UTR variant (1).
Genome position (GRCh38, 1-based): chr5:174,729,501, C>G. VCF-style: chr5-174729501-C-G. GRCh37 (hg19) VCF-style: chr5-174156504-C-G.
Other names: c.*346C>G (NM_001363626.2); short protein forms P241R.
Identifiers: ClinVar variation 2502818 (VCV002502818.1), dbSNP rs368570722, ClinGen allele CA362230490.

ClinVar aggregate classification (germline): Uncertain significance (1 of 4 stars; one submission).

Submission:

GeneDx
Classification: Uncertain significance. Last evaluated: 2022-11-17. Review status: criteria provided, single submitter. Criteria: GeneDx Variant Classification Process June 2021. Collection method: clinical testing. Allele origin: germline. Affected: yes.
Comment: Not observed at significant frequency in large population cohorts (gnomAD); In silico analysis supports that this missense variant has a deleterious effect on protein structure/function; Has not been previously published as pathogenic or benign to our knowledge